The following is an entry in ClinVar:

NM_004415.4(DSP):c.5618G>T (p.Arg1873Leu)

Gene: DSP (desmoplakin; plus strand). Cytogenetic location: 6p24.3.
Variant type: single nucleotide variant.
Coding change: c.5618G>T on transcript NM_004415.4 (MANE Select); coding-DNA position 5618, G replaced by T.
Protein change: p.Arg1873Leu; replaces arginine 1873 with leucine.
Molecular consequence: missense variant.
Genome position (GRCh38, 1-based): chr6:7,582,880, G>T. VCF-style: chr6-7582880-G-T. GRCh37 (hg19) VCF-style: chr6-7583113-G-T.
Other names: p.R1873L:CGC>CTC; c.5618G>T (LRG_423t1); c.3821G>T, p.Arg1274Leu (NM_001008844.3); c.4289G>T, p.Arg1430Leu (NM_001319034.2); short protein forms R1873L, R1274L, R1430L.
Identifiers: ClinVar variation 199892 (VCV000199892.8), dbSNP rs776088292, ClinGen allele CA006563.
Genomic context (GRCh38, chr6:7,582,880, plus strand): 5'-TGGAGTGTGAGAAACAGCAAATTCAGAATGACCTGAATCAGTGGAAGACTCAATATTCCC[G>T]CAAGGAGGAGGCTATTAGGAAGATAGAATCGGAAAGAGAAAAGAGTGAGAGAGAGAAGAA-3'
Protein context (NP_004406.2, residues 1863-1883): DLNQWKTQYS[Arg1873Leu]KEEAIRKIES

ClinVar aggregate classification (germline): Uncertain significance. Review status: criteria provided, multiple submitters, no conflicts (2 of 4 stars). 3 submissions from 3 submitters: Uncertain significance (3). Last evaluated 2024-08-19.

Conditions:
Arrhythmogenic cardiomyopathy with wooly hair and keratoderma. Also called: Carvajal syndrome; Dilated cardiomyopathy with woolly hair and keratoderma; Arrhythmogenic cardiomyopathy with woolly hair and keratoderma; PALMOPLANTAR KERATODERMA WITH LEFT VENTRICULAR CARDIOMYOPATHY AND WOOLLY HAIR. Identifiers: Orphanet 65282, MedGen C1854063, MONDO:0011581, OMIM 605676.
Arrhythmogenic right ventricular dysplasia 8 (ARVD8). Also called: Arrhythmogenic Right Ventricular Dysplasia/Cardiomyopathy 8; ARRHYTHMOGENIC RIGHT VENTRICULAR CARDIOMYOPATHY 8; ARRHYTHMOGENIC RIGHT VENTRICULAR DYSPLASIA, FAMILIAL, 8. Identifiers: MedGen C1843896, MONDO:0011831, OMIM 607450.
Cardiomyopathy (CMYO). Also called: Cardiomyopathies. Identifiers: Orphanet 167848, MedGen C0878544, MONDO:0004994, HP:0001638. Inheritance: Various modes of inheritance.

gnomAD v4.1: 1 of 1,614,070 alleles (0.000062%); highest among the groups gnomAD compares: Non-Finnish European, 0.000085%; no homozygotes.

Submissions (3):

Color Diagnostics, LLC DBA Color Health
Classification: Uncertain significance for Cardiomyopathy. Last evaluated: 2024-08-19. Review status: criteria provided, single submitter. Criteria: ACMG Guidelines, 2015. Collection method: clinical testing. Allele origin: germline.
Comment: This missense variant replaces arginine with leucine at codon 1873 of the DSP protein. Computational prediction suggests that this variant may not impact protein structure and function. To our knowledge, functional studies have not been reported for this variant. This variant has been reported in an individual affected with arrhythmogenic right ventricular cardiomyopathy who also carried a pathogenic splice variant in the PKP2 gene that could explain the observed phenotype (PMID: 33029862). This variant has not been identified in the general population by the Genome Aggregation Database (gnomAD). The available evidence is insufficient to determine the role of this variant in disease conclusively. Therefore, this variant is classified as a Variant of Uncertain Significance.

Labcorp Genetics (formerly Invitae), Labcorp
Classification: Uncertain significance for Arrhythmogenic cardiomyopathy with wooly hair and keratoderma; Arrhythmogenic right ventricular dysplasia 8. Last evaluated: 2023-08-02. Review status: criteria provided, single submitter. Criteria: Invitae Variant Classification Sherloc (09022015). Collection method: clinical testing. Allele origin: germline.
Comment: In summary, the available evidence is currently insufficient to determine the role of this variant in disease. Therefore, it has been classified as a Variant of Uncertain Significance. An algorithm developed to predict the effect of missense changes on protein structure and function (PolyPhen-2) suggests that this variant¬¨‚Ä†is likely to be tolerated. ClinVar contains an entry for this variant (Variation ID: 199892). This variant has not been reported in the literature in individuals affected with DSP-related conditions. This variant is not present in population databases (gnomAD no frequency). This sequence change replaces arginine, which is basic and polar, with leucine, which is neutral and non-polar, at codon 1873 of the DSP protein (p.Arg1873Leu).

GeneDx
Classification: Uncertain significance. Last evaluated: 2019-07-12. Review status: criteria provided, single submitter. Criteria: GeneDx Variant Classification Process June 2021. Collection method: clinical testing. Allele origin: germline. Affected: yes.
Comment: Has not been previously published as pathogenic or benign to our knowledge; Not observed in large population cohorts (Lek et al., 2016); In silico analysis, which includes protein predictors and evolutionary conservation, supports that this variant does not alter protein structure/function

Literature cited by the submitters: PubMed 33029862 (cited by Color Diagnostics, LLC DBA Color Health).